The following is an entry in ClinVar:

NM_005687.5(FARSB):c.448A>C (p.Ile150Leu)

Gene: FARSB (phenylalanyl-tRNA synthetase subunit beta; minus strand). Cytogenetic location: 2q36.1.
Variant type: single nucleotide variant.
Coding change: c.448A>C on transcript NM_005687.5 (MANE Select); coding-DNA position 448, A replaced by C.
Protein change: p.Ile150Leu; replaces isoleucine 150 with leucine.
Molecular consequence: missense variant. On other transcripts: non-coding transcript variant (1).
Genome position (GRCh38, 1-based): chr2:222,639,587, T>G on the plus strand (A>C on the coding strand, the complement: FARSB is on the minus strand). VCF-style: chr2-222639587-T-G. GRCh37 (hg19) VCF-style: chr2-223504306-T-G.
Other names: short protein forms I150L.
Identifiers: ClinVar variation 1303821 (VCV001303821.2), dbSNP rs755763296, ClinGen allele CA2136665.
Genomic context (GRCh38, chr2:222,639,587, plus strand): 5'-GGGAGACAAAGGGAAAGGGGAAGGCAAGGAAGAAAGAAAATGCAACCACAAACCTGCAAA[T>G]ATTCTGATGTAATTTCTCCTGAAGTTCAATGAAGCTGTCATATCGATCTTTAGTAAACTT-3'
Protein context (NP_005678.3, residues 140-160): IELQEKLHQN[Ile150Leu]CRKRALVAIG

ClinVar aggregate classification (germline): Uncertain significance (1 of 4 stars; one submission).

Allele frequency attached by ClinVar (database versions not stated): gnomAD exomes below 0.00001 and 0.00001; ExAC 0.00001; TOPMed 0.00001.
gnomAD v4.1: 5 of 1,532,358 alleles (0.00033%); highest among the groups gnomAD compares: Admixed American, 0.0035%; no homozygotes.

Submission:

GeneDx
Classification: Uncertain significance. Last evaluated: 2019-06-20. Review status: criteria provided, single submitter. Criteria: GeneDx Variant Classification Process June 2021. Collection method: clinical testing. Allele origin: germline. Affected: yes.
Comment: Not observed at a significant frequency in large population cohorts (Lek et al., 2016); In silico analysis, which includes protein predictors and evolutionary conservation, supports that this variant does not alter protein structure/function; Has not been previously published as pathogenic or benign to our knowledge